The following is an entry in ClinVar:

NM_001127198.5(TMC6):c.1298T>C (p.Val433Ala)

Gene: TMC6 (transmembrane channel like 6; minus strand). Cytogenetic location: 17q25.3.
Variant type: single nucleotide variant.
Coding change: c.1298T>C on transcript NM_001127198.5 (MANE Select); coding-DNA position 1298, T replaced by C.
Protein change: p.Val433Ala; replaces valine 433 with alanine.
Molecular consequence: missense variant. On other transcripts: non-coding transcript variant (4).
Genome position (GRCh38, 1-based): chr17:78,121,641, A>G on the plus strand (T>C on the coding strand, the complement: TMC6 is on the minus strand). VCF-style: chr17-78121641-A-G. GRCh37 (hg19) VCF-style: chr17-76117722-A-G.
Other names: c.1298T>C, p.Val433Ala (NM_001321185.1, NM_001374593.1, NM_001374594.1 and 4 more transcripts); c.1298T>C (NM_007267.6); short protein forms V433A.
Identifiers: ClinVar variation 645821 (VCV000645821.8), dbSNP rs954564790, ClinGen allele CA294351362.

ClinVar aggregate classification (germline): Conflicting classifications of pathogenicity. Review status: criteria provided, conflicting classifications (1 of 4 stars). 2 submissions from 2 submitters: Uncertain significance (1); Likely benign (1). Last evaluated 2025-05-21.

Conditions:
Inborn genetic diseases. Identifiers: MedGen C0950123, MeSH D030342.
Epidermodysplasia verruciformis. Identifiers: Orphanet 302, MedGen C0014522, MONDO:0009176.

Allele frequency attached by ClinVar (database versions not stated): TOPMed 0.00002; gnomAD exomes 0.00002 and 0.00008; gnomAD 0.00004 and 0.00003.
gnomAD v4.1: 123 of 1,605,850 alleles (0.0077%); highest among the groups gnomAD compares: Non-Finnish European, 0.01%; no homozygotes.

Submissions (2):

Ambry Genetics
Classification: Likely benign for Inborn genetic diseases. Last evaluated: 2025-05-21. Review status: criteria provided, single submitter. Criteria: Ambry Variant Classification Scheme 2023. Collection method: clinical testing. Allele origin: germline.

Labcorp Genetics (formerly Invitae), Labcorp
Classification: Uncertain significance for Epidermodysplasia verruciformis. Last evaluated: 2022-02-20. Review status: criteria provided, single submitter. Criteria: Invitae Variant Classification Sherloc (09022015). Collection method: clinical testing. Allele origin: germline.
Comment: In summary, the available evidence is currently insufficient to determine the role of this variant in disease. Therefore, it has been classified as a Variant of Uncertain Significance. Algorithms developed to predict the effect of missense changes on protein structure and function output the following: SIFT: "Not Available"; PolyPhen-2: "Benign"; Align-GVGD: "Not Available". The alanine amino acid residue is found in multiple mammalian species, which suggests that this missense change does not adversely affect protein function. ClinVar contains an entry for this variant (Variation ID: 645821). This variant has not been reported in the literature in individuals affected with TMC6-related conditions. This variant is present in population databases (no rsID available, gnomAD 0.005%). This sequence change replaces valine, which is neutral and non-polar, with alanine, which is neutral and non-polar, at codon 433 of the TMC6 protein (p.Val433Ala).